The following is an entry in ClinVar:

ClinVar aggregate classification (germline): Pathogenic. Review status: criteria provided, multiple submitters, no conflicts (2 of 4 stars). 2 submissions from 2 submitters: Pathogenic (2). Last evaluated 2025-06-04.

Conditions:
Intellectual disability. Also called: Intellectual functioning disability; intellectual disabilities; Intellectual developmental disorder. Identifiers: MedGen C3714756, MeSH D008607, MONDO:0001071, HP:0001249.

Submissions (2):

GeneDx
Classification: Pathogenic. Last evaluated: 2025-06-04. Review status: criteria provided, single submitter. Criteria: GeneDx Variant Classification Process June 2021. Collection method: clinical testing. Allele origin: germline. Affected: yes.
Comment: Frameshift variant predicted to result in protein truncation or nonsense mediated decay in a gene for which loss of function is a known mechanism of disease; Not observed at significant frequency in large population cohorts (gnomAD); Has not been previously published as pathogenic or benign to our knowledge

Dubai Health Genomic Medicine Center, Dubai Health
Classification: Pathogenic for Intellectual developmental disorder. Last evaluated: 2024-10-04. Review status: criteria provided, single submitter. Criteria: ACMG Guidelines, 2015. Collection method: research. Allele origin: germline. Affected: yes.
Comment: PVS1,PM2,PP4

NM_018489.3(ASH1L):c.2905_2908del (p.Lys969fs)

Gene: ASH1L (ASH1 like histone lysine methyltransferase; minus strand). Cytogenetic location: 1q22.
Variant type: Deletion.
Coding change: c.2905_2908del on transcript NM_018489.3 (MANE Select); coding-DNA positions 2905 to 2908, 4 bases deleted (AAAA; older notation c.2905_2908delAAAA).
Protein change: p.Lys969fs; shifts the reading frame from lysine 969.
Molecular consequence: frameshift variant.
Genome position (GRCh38, 1-based): chr1:155,479,962-155,479,965, TTTT deleted on the plus strand (AAAA on the coding strand, the reverse complement: ASH1L is on the minus strand); deleting any 4 consecutive bases within chr1:155,479,962-155,479,968 gives the same sequence; the c. name uses the placement nearest the transcript's 3' end. VCF-style (leftmost placement, unchanged base first): chr1-155479961-ATTTT-A. GRCh37 (hg19) VCF-style: chr1-155449752-ATTTT-A.
Other names: c.2905_2908del, p.Lys969fs (NM_001366177.2); short protein forms K969fs.
Identifiers: ClinVar variation 3384137 (VCV003384137.2).